The following is an entry in ClinVar:

ClinVar aggregate classification (germline): Uncertain significance (1 of 4 stars; one submission).

Allele frequency attached by ClinVar (database versions not stated): gnomAD 0.00001; TOPMed 0.00001.
gnomAD v4.1: 4 of 1,605,520 alleles (0.00025%); highest among the groups gnomAD compares: Non-Finnish European, 0.00034%; no homozygotes.

Submission:

Labcorp Genetics (formerly Invitae), Labcorp
Classification: Uncertain significance. Last evaluated: 2022-02-04. Review status: criteria provided, single submitter. Criteria: Invitae Variant Classification Sherloc (09022015). Collection method: clinical testing. Allele origin: germline.
Comment: This sequence change replaces proline, which is neutral and non-polar, with arginine, which is basic and polar, at codon 96 of the MICU1 protein (p.Pro96Arg). This variant is not present in population databases (gnomAD no frequency). This variant has not been reported in the literature in individuals affected with MICU1-related conditions. Algorithms developed to predict the effect of missense changes on protein structure and function are either unavailable or do not agree on the potential impact of this missense change (SIFT: "Tolerated"; PolyPhen-2: "Not Available"; Align-GVGD: "Class C0"). In summary, the available evidence is currently insufficient to determine the role of this variant in disease. Therefore, it has been classified as a Variant of Uncertain Significance.

NM_001195518.2(MICU1):c.287C>G (p.Pro96Arg)

Gene: MICU1 (mitochondrial calcium uptake 1; minus strand). Cytogenetic location: 10q22.1.
Variant type: single nucleotide variant.
Coding change: c.287C>G on transcript NM_001195518.2 (MANE Select); coding-DNA position 287, C replaced by G.
Protein change: p.Pro96Arg; replaces proline 96 with arginine.
Molecular consequence: missense variant.
Genome position (GRCh38, 1-based): chr10:72,562,938, G>C on the plus strand (C>G on the coding strand, the complement: MICU1 is on the minus strand). VCF-style: chr10-72562938-G-C. GRCh37 (hg19) VCF-style: chr10-74322696-G-C.
Other names: c.287C>G, p.Pro96Arg (NM_001363513.2, NM_006077.4); short protein forms P96R.
Identifiers: ClinVar variation 1479446 (VCV001479446.8), dbSNP rs1319094639, ClinGen allele CA377395298.